The following is an entry in ClinVar:

NC_000016.9:g.(?_31003278)_(31004694_?)del

Gene: STX1B (syntaxin 1B; minus strand). Cytogenetic location: 16p11.2.
Variant type: Deletion.
Identifiers: ClinVar variation 3243531 (VCV003243531.1).

ClinVar aggregate classification (germline): Uncertain significance (1 of 4 stars; one submission).

Conditions:
Generalized epilepsy with febrile seizures plus, type 9 (GEFSP9). Also called: GEFS+, TYPE 9. Identifiers: Orphanet 36387, MedGen C4015395, MONDO:0014517, OMIM 616172.

Submission:

Labcorp Genetics (formerly Invitae), Labcorp
Classification: Uncertain significance for Generalized epilepsy with febrile seizures plus, type 9. Last evaluated: 2019-09-30. Review status: criteria provided, single submitter. Criteria: Invitae Variant Classification Sherloc (09022015). Collection method: clinical testing. Allele origin: unknown.
Comment: This variant is a complex rearrangement involving exons 8-10 of the STX1B gene. The exact size and nature of the event cannot be determined by the current assay. Complex rearrangements have not been reported in the literature in individuals with STX1B-related conditions. In summary, the available evidence is currently insufficient to determine the role of this variant in disease. Therefore, it has been classified as a Variant of Uncertain Significance.